The following is an entry in ClinVar:

ClinVar aggregate classification (germline): Uncertain significance (1 of 4 stars; one submission).

Submission:

Labcorp Genetics (formerly Invitae), Labcorp
Classification: Uncertain significance. Last evaluated: 2021-03-12. Review status: criteria provided, single submitter. Criteria: Invitae Variant Classification Sherloc (09022015). Collection method: clinical testing. Allele origin: germline.
Comment: This sequence change creates a premature translational stop signal (p.Gln411*) in the NFE2L2 gene. While this is not anticipated to result in nonsense mediated decay, it is expected to disrupt the last 195 amino acid(s) of the NFE2L2 protein. This variant is not present in population databases (ExAC no frequency). This variant has not been reported in the literature in individuals with NFE2L2-related conditions. Experimental studies and prediction algorithms are not available or were not evaluated, and the functional significance of this variant is currently unknown. In summary, the available evidence is currently insufficient to determine the role of this variant in disease. Therefore, it has been classified as a Variant of Uncertain Significance.

NM_006164.5(NFE2L2):c.1231C>T (p.Gln411Ter)

Gene: NFE2L2 (NFE2 like bZIP transcription factor 2; minus strand). Cytogenetic location: 2q31.2.
Variant type: single nucleotide variant.
Coding change: c.1231C>T on transcript NM_006164.5 (MANE Select); coding-DNA position 1231, C replaced by T.
Protein change: p.Gln411Ter; replaces glutamine 411 with a stop codon.
Molecular consequence: nonsense.
Genome position (GRCh38, 1-based): chr2:177,231,372, G>A on the plus strand (C>T on the coding strand, the complement: NFE2L2 is on the minus strand). VCF-style: chr2-177231372-G-A. GRCh37 (hg19) VCF-style: chr2-178096100-G-A.
Other names: c.1183C>T, p.Gln395Ter (NM_001145412.3, NM_001313900.1, NM_001313901.1); c.1162C>T, p.Gln388Ter (NM_001145413.3); c.1141C>T, p.Gln381Ter (NM_001313902.2); c.1012C>T, p.Gln338Ter (NM_001313903.2); c.931C>T, p.Gln311Ter (NM_001313904.1); short protein forms Q338*, Q395*, Q411*, Q311*, Q381*, Q388*.
Identifiers: ClinVar variation 1516259 (VCV001516259.6), dbSNP rs2105452356, ClinGen allele CA349371261.
Genomic context (GRCh38, chr2:177,231,372, plus strand): 5'-GCAATTCTTTCTCTGGTGTGTTCTCACATTGGGCATCATGCACGTGAGTGCTCTGCCCCT[G>A]AGATGGTGACAAGGGTTGTACCATATCCCCAGAAGAATGTACTGGTGTTTTAGGACCATT-3'